The following is an entry in ClinVar:

ClinVar aggregate classification (germline): Uncertain significance (1 of 4 stars; one submission).

Conditions:
Fanconi anemia (FA). Also called: Fanconi's anemia. Identifiers: Orphanet 84, MedGen C0015625, MeSH D005199, MONDO:0019391.

Submission:

Labcorp Genetics (formerly Invitae), Labcorp
Classification: Uncertain significance for Fanconi anemia. Last evaluated: 2022-01-28. Review status: criteria provided, single submitter. Criteria: Invitae Variant Classification Sherloc (09022015). Collection method: clinical testing. Allele origin: germline.
Comment: In summary, the available evidence is currently insufficient to determine the role of this variant in disease. Therefore, it has been classified as a Variant of Uncertain Significance. Algorithms developed to predict the effect of missense changes on protein structure and function (SIFT, PolyPhen-2, Align-GVGD) all suggest that this variant is likely to be tolerated. ClinVar contains an entry for this variant (Variation ID: 950949). This variant has not been reported in the literature in individuals affected with FANCL-related conditions. This variant is not present in population databases (gnomAD no frequency). This sequence change replaces methionine, which is neutral and non-polar, with isoleucine, which is neutral and non-polar, at codon 89 of the FANCL protein (p.Met89Ile).

NM_018062.4(FANCL):c.267G>T (p.Met89Ile)

Gene: FANCL (FA complementation group L; minus strand). Cytogenetic location: 2p16.1.
Variant type: single nucleotide variant.
Coding change: c.267G>T on transcript NM_018062.4 (MANE Select); coding-DNA position 267, G replaced by T.
Protein change: p.Met89Ile; replaces methionine 89 with isoleucine.
Molecular consequence: missense variant.
Genome position (GRCh38, 1-based): chr2:58,226,734, C>A on the plus strand (G>T on the coding strand, the complement: FANCL is on the minus strand). VCF-style: chr2-58226734-C-A. GRCh37 (hg19) VCF-style: chr2-58453869-C-A.
Other names: c.267G>T, p.Met89Ile (NM_001114636.2, NM_001374615.1, NM_001410792.1); short protein forms M89I.
Identifiers: ClinVar variation 950949 (VCV000950949.10), dbSNP rs1378650753, ClinGen allele CA347034613.